The following is an entry in ClinVar:

NM_004284.6(CHD1L):c.1A>T (p.Met1Leu)

Genes: CHD1L (chromodomain helicase DNA binding protein 1 like; plus strand), LOC129931354 (ATAC-STARR-seq lymphoblastoid silent region 1279; plus strand). Cytogenetic location: 1q21.1.
Variant type: single nucleotide variant.
Coding change: c.1A>T on transcript NM_004284.6 (MANE Select); coding-DNA position 1, A replaced by T.
Protein change: p.Met1Leu; changes the start codon (methionine 1).
Molecular consequence: missense variant, initiator codon variant. On other transcripts: 5 prime UTR variant (16), non-coding transcript variant (16), intron variant (1).
Genome position (GRCh38, 1-based): chr1:147,242,704, A>T. VCF-style: chr1-147242704-A-T. GRCh37 (hg19) VCF-style: chr1-146714354-A-T.
Other names: c.-193A>T (NM_001256336.3); c.-313A>T (NM_001256337.3); c.1A>T, p.Met1Leu (NM_001256338.3, NM_001348454.2); c.-226A>T (NM_001348453.2); c.-457A>T (NM_001348455.2); c.-394A>T (NM_001348456.2); c.-723A>T (NM_001348457.2); c.-754A>T (NM_001348458.2); and 10 more; short protein forms M1L.
Identifiers: ClinVar variation 737457 (VCV000737457.7), dbSNP rs147494800, ClinGen allele CA1063105.

ClinVar aggregate classification (germline): Likely benign. Review status: criteria provided, single submitter (1 of 4 stars). 2 submissions from 2 submitters: Likely benign (1). 1 of the submissions does not count toward it. Last evaluated 2019-12-31.

Conditions:
CHD1L-related disorder. Also called: CHD1L-related condition.

Allele frequency attached by ClinVar (database versions not stated): gnomAD exomes 0.00052; ESP Exome Variant Server 0.00054; 1000 Genomes Project 0.00180; 1000 Genomes Project 30x 0.00234; ExAC 0.00082; TOPMed 0.00168.

Submissions (2):

Labcorp Genetics (formerly Invitae), Labcorp
Classification: Likely benign. Last evaluated: 2019-12-31. Review status: criteria provided, single submitter. Criteria: Invitae Variant Classification Sherloc (09022015). Collection method: clinical testing. Allele origin: germline.

PreventionGenetics, part of Exact Sciences
Classification: Likely benign for CHD1L-related condition. Last evaluated: 2022-09-08. Review status: no assertion criteria provided. Collection method: clinical testing. Allele origin: germline. Not counted in ClinVar's aggregate classification.
Comment: This variant is classified as likely benign based on ACMG/AMP sequence variant interpretation guidelines (Richards et al. 2015 PMID: 25741868, with internal and published modifications).